The following is an entry in ClinVar:

NM_017946.4(FKBP14):c.512A>C (p.His171Pro)

Genes: FKBP14-AS1 (FKBP14 antisense RNA 1; plus strand), FKBP14 (FKBP prolyl isomerase 14; minus strand). Cytogenetic location: 7p14.3.
Variant type: single nucleotide variant.
Coding change: c.512A>C on transcript NM_017946.4 (MANE Select); coding-DNA position 512, A replaced by C.
Protein change: p.His171Pro; replaces histidine 171 with proline.
Molecular consequence: missense variant. On other transcripts: non-coding transcript variant (2).
Genome position (GRCh38, 1-based): chr7:30,014,859, T>G on the plus strand (A>C on the coding strand, the complement: FKBP14 is on the minus strand). VCF-style: chr7-30014859-T-G. GRCh37 (hg19) VCF-style: chr7-30054475-T-G.
Other names: short protein forms H171P.
Identifiers: ClinVar variation 473005 (VCV000473005.10), dbSNP rs147665999, ClinGen allele CA4203387.

ClinVar aggregate classification (germline): Uncertain significance. Review status: criteria provided, multiple submitters, no conflicts (2 of 4 stars). 2 submissions from 2 submitters: Uncertain significance (2). Last evaluated 2024-09-24.

Conditions:
Ehlers-Danlos syndrome, kyphoscoliotic type, 2. Also called: Ehlers-Danlos syndrome, kyphoscoliotic and deafness type; Ehlers-Danlos syndrome with progressive kyphoscoliosis, myopathy, and hearing loss; FKBP14-Kyphoscoliotic Ehlers-Danlos Syndrome. Identifiers: Orphanet 300179, MedGen C3281160, MONDO:0013800, OMIM 614557.
Cardiovascular phenotype. Identifiers: MedGen CN230736.

Allele frequency attached by ClinVar (database versions not stated): ExAC 0.00001; gnomAD exomes 0.00001; TOPMed 0.00003; ESP Exome Variant Server 0.00008.
gnomAD v4.1: 12 of 1,598,326 alleles (0.00075%); highest among the groups gnomAD compares: African/African-American, 0.0027%; no homozygotes.

Submissions (2):

Ambry Genetics
Classification: Uncertain significance for Cardiovascular phenotype. Last evaluated: 2024-09-24. Review status: criteria provided, single submitter. Criteria: Ambry Variant Classification Scheme 2023. Collection method: clinical testing. Allele origin: germline.
Comment: The p.H171P variant (also known as c.512A>C), located in coding exon 4 of the FKBP14 gene, results from an A to C substitution at nucleotide position 512. The histidine at codon 171 is replaced by proline, an amino acid with similar properties. This amino acid position is conserved. In addition, this alteration is predicted to be deleterious by in silico analysis. Since supporting evidence is limited at this time, the clinical significance of this alteration remains unclear.

Labcorp Genetics (formerly Invitae), Labcorp
Classification: Uncertain significance for Ehlers-Danlos syndrome, kyphoscoliotic type, 2. Last evaluated: 2023-08-04. Review status: criteria provided, single submitter. Criteria: Invitae Variant Classification Sherloc (09022015). Collection method: clinical testing. Allele origin: germline.
Comment: In summary, the available evidence is currently insufficient to determine the role of this variant in disease. Therefore, it has been classified as a Variant of Uncertain Significance. An algorithm developed to predict the effect of missense changes on protein structure and function (PolyPhen-2) suggests that this variant is likely to be disruptive. ClinVar contains an entry for this variant (Variation ID: 473005). This variant has not been reported in the literature in individuals affected with FKBP14-related conditions. This variant is present in population databases (rs147665999, gnomAD 0.002%). This sequence change replaces histidine, which is basic and polar, with proline, which is neutral and non-polar, at codon 171 of the FKBP14 protein (p.His171Pro).